The following is an entry in ClinVar:

NM_001267550.2(TTN):c.103303del (p.Arg34435fs)

Genes: TTN (titin; minus strand), TTN-AS1 (TTN antisense RNA 1; plus strand). Cytogenetic location: 2q31.2.
Variant type: Deletion.
Coding change: c.103303del on transcript NM_001267550.2 (MANE Select); coding-DNA position 103303, one base deleted (A; older notation c.103303delA).
Protein change: p.Arg34435fs; shifts the reading frame from arginine 34435.
Molecular consequence: frameshift variant.
Genome position (GRCh38, 1-based): chr2:178,533,312, T deleted on the plus strand (A on the coding strand, the reverse complement: TTN is on the minus strand). VCF-style (leftmost placement, unchanged base first): chr2-178533311-CT-C. GRCh37 (hg19) VCF-style: chr2-179398038-CT-C.
Other names: c.98380del, p.Arg32794fs (NM_001256850.1); c.76108del, p.Arg25370fs (NM_003319.4); c.95599del, p.Arg31867fs (NM_133378.4); c.76483del, p.Arg25495fs (NM_133432.3); c.76684del, p.Arg25562fs (NM_133437.4); c.76108delA (NM_003319.4); short protein forms R25562fs, R31867fs, R34435fs, R25495fs, R32794fs, R25370fs.
Identifiers: ClinVar variation 1759797 (VCV001759797.2), dbSNP rs2468488044, ClinGen allele CA2580064887.

ClinVar aggregate classification (germline): Likely pathogenic (1 of 4 stars; one submission).

Conditions:
Cardiovascular phenotype. Identifiers: MedGen CN230736.

Submission:

Ambry Genetics
Classification: Likely pathogenic for Cardiovascular phenotype. Last evaluated: 2022-02-09. Review status: criteria provided, single submitter. Criteria: Ambry Variant Classification Scheme 2023. Collection method: clinical testing. Allele origin: germline.
Comment: The c.76108delA variant, located in coding exon 185 of the TTN gene, results from a deletion of one nucleotide at nucleotide position 76108, causing a translational frameshift with a predicted alternate stop codon (p.R25370Efs*22). This exon is located in the M-band region of the N2-B isoform of the titin protein and is constitutively expressed in TTN transcripts (percent spliced in or PSI 100%). This variant is considered to be rare based on population cohorts in the Genome Aggregation Database (gnomAD). This alteration is expected to result in loss of function by premature protein truncation or nonsense-mediated mRNA decay. While truncating variants in TTN are present in 1-3% of the general population, truncating variants in the M-band have been reported in association with autosomal recessive titinopathies, primarily presenting with skeletal myopathy phenotypes (Ceyhan-Birsoy O et al. Neurology. 2013 Oct 1;81(14):1205-14; De Cid R et al. Neurology. 2015;85(24):2126-35). In addition, regardless of their position, TTN truncating variants encoded in constitutive exons (PSI >90%) have been found to be significantly associated with dilated cardiomyopathy (DCM), though truncating variants in the A-band are the most common cause of DCM (Herman DS et al. N. Engl. J. Med., 2012 Feb;366:619-28; Roberts AM et al. Sci Transl Med, 2015 Jan;7:270ra6; Schafer S et al. Nat. Genet., 2017 01;49:46-53). Based on the majority of available evidence to date, this variant is likely to be pathogenic in association with autosomal recessive titinopathy; however, the clinical significance of this alteration with respect to cardiomyopathy remains unclear.